The following is an entry in ClinVar:

NM_004984.4(KIF5A):c.2436T>G (p.Ser812Arg)

Gene: KIF5A (kinesin family member 5A; plus strand). Cytogenetic location: 12q13.3.
Variant type: single nucleotide variant.
Coding change: c.2436T>G on transcript NM_004984.4 (MANE Select); coding-DNA position 2436, T replaced by G.
Protein change: p.Ser812Arg; replaces serine 812 with arginine.
Molecular consequence: missense variant.
Genome position (GRCh38, 1-based): chr12:57,578,240, T>G. VCF-style: chr12-57578240-T-G. GRCh37 (hg19) VCF-style: chr12-57972023-T-G.
Other names: c.2169T>G, p.Ser723Arg (NM_001354705.2); short protein forms S723R, S812R.
Identifiers: ClinVar variation 2812207 (VCV002812207.3), dbSNP rs2540512064, ClinGen allele CA385513258.

ClinVar aggregate classification (germline): Uncertain significance (1 of 4 stars; one submission).

Conditions:
Spastic paraplegia. Identifiers: MedGen C0037772, HP:0001258.

Allele frequency attached by ClinVar (database versions not stated): gnomAD exomes below 0.00001.

Submission:

Labcorp Genetics (formerly Invitae), Labcorp
Classification: Uncertain significance for Spastic paraplegia. Last evaluated: 2024-06-15. Review status: criteria provided, single submitter. Criteria: Invitae Variant Classification Sherloc (09022015). Collection method: clinical testing. Allele origin: germline.
Comment: This sequence change replaces serine, which is neutral and polar, with arginine, which is basic and polar, at codon 812 of the KIF5A protein (p.Ser812Arg). This variant is not present in population databases (gnomAD no frequency). This variant has not been reported in the literature in individuals affected with KIF5A-related conditions. An algorithm developed to predict the effect of missense changes on protein structure and function (PolyPhen-2) suggests that this variant is likely to be disruptive. In summary, the available evidence is currently insufficient to determine the role of this variant in disease. Therefore, it has been classified as a Variant of Uncertain Significance.